The following is an entry in ClinVar:

ClinVar aggregate classification (germline): Uncertain significance (1 of 4 stars; one submission).

Submission:

GeneDx
Classification: Uncertain significance. Last evaluated: 2024-09-26. Review status: criteria provided, single submitter. Criteria: GeneDx Variant Classification Process June 2021. Collection method: clinical testing. Allele origin: germline. Affected: yes.
Comment: In silico analysis indicates that this missense variant does not alter protein structure/function; Has not been previously published as pathogenic or benign to our knowledge

NM_003106.4(SOX2):c.91G>A (p.Gly31Ser)

Genes: SOX2-OT (SOX2 overlapping transcript; plus strand), SOX2 (SRY-box transcription factor 2; plus strand), LOC108281177 (SOX2 5' regulatory region; plus strand). Cytogenetic location: 3q26.33.
Variant type: single nucleotide variant.
Coding change: c.91G>A on transcript NM_003106.4 (MANE Select); coding-DNA position 91, G replaced by A.
Protein change: p.Gly31Ser; replaces glycine 31 with serine.
Molecular consequence: missense variant.
Genome position (GRCh38, 1-based): chr3:181,712,451, G>A. VCF-style: chr3-181712451-G-A. GRCh37 (hg19) VCF-style: chr3-181430239-G-A.
Other names: short protein forms G31S.
Identifiers: ClinVar variation 3774951 (VCV003774951.1).